The following is an entry in ClinVar:

NM_014339.7(IL17RA):c.614C>T (p.Pro205Leu)

Gene: IL17RA (interleukin 17 receptor A; plus strand). Cytogenetic location: 22q11.1.
Variant type: single nucleotide variant.
Coding change: c.614C>T on transcript NM_014339.7 (MANE Select); coding-DNA position 614, C replaced by T.
Protein change: p.Pro205Leu; replaces proline 205 with leucine.
Molecular consequence: missense variant.
Genome position (GRCh38, 1-based): chr22:17,102,154, C>T. VCF-style: chr22-17102154-C-T. GRCh37 (hg19) VCF-style: chr22-17583044-C-T.
Other names: c.614C>T (NM_014339.5); c.614C>T, p.Pro205Leu (NM_001289905.2); short protein forms P205L.
Identifiers: ClinVar variation 1909945 (VCV001909945.7), dbSNP rs1424925225, ClinGen allele CA410212871.
Genomic context (GRCh38, chr22:17,102,154, plus strand): 5'-TGCGTGCCCCTCCTCACTCCCAGCCTGCGTGTGTGACCTTGGCAGGCAGCCTGTGGGACC[C>T]CAACATCACCGTGGAGACCCTGGAGGCCCACCAGCTGCGTGTGAGCTTCACCCTGTGGAA-3'
Protein context (NP_055154.3, residues 195-215): PCMSSGSLWD[Pro205Leu]NITVETLEAH

ClinVar aggregate classification (germline): Uncertain significance. Review status: criteria provided, multiple submitters, no conflicts (2 of 4 stars). 2 submissions from 2 submitters: Uncertain significance (2). Last evaluated 2025-05-20.

Conditions:
Immunodeficiency 51 (IMD51). Also called: CANDIDIASIS, FAMILIAL, 5. Identifiers: Orphanet 1334, MedGen C4310803, MONDO:0013500, OMIM 613953.

Allele frequency attached by ClinVar (database versions not stated): gnomAD 0.00001; TOPMed 0.00001.
gnomAD v4.1: 4 of 1,614,064 alleles (0.00025%); highest among the groups gnomAD compares: African/African-American, 0.0027%; no homozygotes.

Submissions (2):

Ambry Genetics
Classification: Uncertain significance. Last evaluated: 2025-05-20. Review status: criteria provided, single submitter. Criteria: Ambry Variant Classification Scheme 2023. Collection method: clinical testing. Allele origin: germline.

Labcorp Genetics (formerly Invitae), Labcorp
Classification: Uncertain significance for Immunodeficiency 51. Last evaluated: 2022-09-01. Review status: criteria provided, single submitter. Criteria: Invitae Variant Classification Sherloc (09022015). Collection method: clinical testing. Allele origin: germline.
Comment: Algorithms developed to predict the effect of missense changes on protein structure and function are either unavailable or do not agree on the potential impact of this missense change (SIFT: "Deleterious"; PolyPhen-2: "Probably Damaging"; Align-GVGD: "Class C0"). In summary, the available evidence is currently insufficient to determine the role of this variant in disease. Therefore, it has been classified as a Variant of Uncertain Significance. This variant has not been reported in the literature in individuals affected with IL17RA-related conditions. This sequence change replaces proline, which is neutral and non-polar, with leucine, which is neutral and non-polar, at codon 205 of the IL17RA protein (p.Pro205Leu). This variant is not present in population databases (gnomAD no frequency).